The following is an entry in ClinVar:

ClinVar aggregate classification (germline): Uncertain significance (1 of 4 stars; one submission).

Submission:

CeGaT Center for Human Genetics Tuebingen
Classification: Uncertain significance. Last evaluated: 2022-12-01. Review status: criteria provided, single submitter. Criteria: CeGaT Center For Human Genetics Tuebingen Variant Classification Criteria Version 2. Collection method: clinical testing. Allele origin: germline. Affected: yes. Observed: 1 variant allele.
Comment: WASF1: PM2

NM_003931.3(WASF1):c.547A>G (p.Asn183Asp)

Gene: WASF1 (WASP family member 1; minus strand). Cytogenetic location: 6q21.
Variant type: single nucleotide variant.
Coding change: c.547A>G on transcript NM_003931.3 (MANE Select); coding-DNA position 547, A replaced by G.
Protein change: p.Asn183Asp; replaces asparagine 183 with aspartic acid.
Molecular consequence: missense variant.
Genome position (GRCh38, 1-based): chr6:110,105,573, T>C on the plus strand (A>G on the coding strand, the complement: WASF1 is on the minus strand). VCF-style: chr6-110105573-T-C. GRCh37 (hg19) VCF-style: chr6-110426776-T-C.
Other names: c.547A>G, p.Asn183Asp (NM_001024934.2, NM_001024935.2, NM_001024936.2); short protein forms N183D.
Identifiers: ClinVar variation 2656841 (VCV002656841.24), dbSNP rs2534221557, ClinGen allele CA365351219.